The following is an entry in ClinVar:

NM_007294.4(BRCA1):c.442-737AT[5]

Gene: BRCA1 (BRCA1 DNA repair associated; minus strand). Cytogenetic location: 17q21.31.
Variant type: Microsatellite.
Coding change: c.442-737AT[5] on transcript NM_007294.4 (MANE Select); five copies in a row of the 2-base unit AT starting at c.442-737; the reference has four copies in a row; one copy, 2 bases duplicated.
Molecular consequence: intron variant.
Genome position (GRCh38, 1-based): chr17:43,100,610-43,100,611, AT duplicated on the plus strand (AT on the coding strand, the reverse complement: BRCA1 is on the minus strand); duplicating any 2 consecutive bases within chr17:43,100,610-43,100,618 gives the same sequence; the position shown is the placement nearest the transcript's 3' end. VCF-style (leftmost placement, unchanged base first): chr17-43100609-C-CAT. GRCh37 (hg19) VCF-style: chr17-41252626-C-CAT.
Other names: IVS 7-730insAT; c.442-730_442-729insAT (NM_007294.3); c.442-737AT[5] (NM_001408494.1, NM_001408444.1, NM_001408438.1 and 96 more transcripts); c.232-737AT[5] (NM_001408492.1, NM_001407889.1, NM_001408513.1 and 37 more transcripts); c.301-740AT[5] (NM_001408468.1, NM_001407842.1, NM_001407749.1 and 35 more transcripts); c.301-737AT[5] (NM_001408501.1, NM_001408455.1, NM_001407731.1 and 61 more transcripts); c.-218-5757AT[5] (NM_001407966.1, NM_001407967.1); c.61-737AT[5] (NM_001407963.1, NM_001407960.1, NM_001407965.1 and 3 more transcripts); and 7 more.
Identifiers: ClinVar variation 209473 (VCV000209473.2), dbSNP rs200083681, ClinGen allele CA276443.

ClinVar aggregate classification (germline): Benign (3 of 4 stars; one submission).

Conditions:
Breast-ovarian cancer, familial, susceptibility to, 1 (BROVCA1). Also called: BRCA1 Hereditary Breast and Ovarian Cancer; OVARIAN CANCER, SUSCEPTIBILITY TO. Identifiers: Orphanet 145, MedGen C2676676, MONDO:0011450, OMIM 604370. Disease mechanism: loss of function.

Submission:

Evidence-based Network for the Interpretation of Germline Mutant Alleles (ENIGMA)
Classification: Benign for Breast-ovarian cancer, familial 1. Last evaluated: 2015-01-12. Review status: reviewed by expert panel. Criteria: ENIGMA BRCA1/2 Classification Criteria (2015). Collection method: curation. Allele origin: germline.
Comment: Class 1 not pathogenic based on frequency >1% in an outbred sampleset. Frequency 0.15 (Asian), 0.12 (African), 0.17 (European), derived from 1000 genomes (2012-04-30).